The following is an entry in ClinVar:

NM_001099274.3(TINF2):c.298-10_298-2del

Gene: TINF2 (TERF1 interacting nuclear factor 2; minus strand). Cytogenetic location: 14q12.
Variant type: Deletion.
Coding change: c.298-10_298-2del on transcript NM_001099274.3 (MANE Select); 10 bases into the intron before coding-DNA position 298 through the canonical splice acceptor site of the intron before coding-DNA position 298, 9 bases deleted (TCCTCAACA; older notation c.298-10_298-2delTCCTCAACA).
Molecular consequence: splice acceptor variant.
Genome position (GRCh38, 1-based): chr14:24,241,778-24,241,786, TGTTGAGGA deleted on the plus strand (TCCTCAACA on the coding strand, the reverse complement: TINF2 is on the minus strand); deleting any 9 consecutive bases within chr14:24,241,778-24,241,787 gives the same sequence; the c. name uses the placement nearest the transcript's 3' end. VCF-style (leftmost placement, unchanged base first): chr14-24241777-CTGTTGAGGA-C. GRCh37 (hg19) VCF-style: chr14-24710983-CTGTTGAGGA-C.
Other names: c.298-10_298-2del (NM_012461.3); c.193-10_193-2del (NM_001363668.2).
Identifiers: ClinVar variation 4739280 (VCV004739280.1).
Genomic context (GRCh38, chr14:24,241,777, plus strand): 5'-CTTCACCTGCTGGTAAAAAGTTTCCTGTGCCTCCAAAATCTTCCTCAGATCCTGCTTTGT[CTGTTGAGGA>C]TACAGAAGACAGAGAAGTTAGCACCAACATCCAGTAGACAGGAGGAGCAACTTTGCTGCA-3'

ClinVar aggregate classification (germline): Uncertain significance (1 of 4 stars; one submission).

Conditions:
Dyskeratosis congenita. Identifiers: Orphanet 1775, MedGen C0265965, MONDO:0015780.

Submission:

Labcorp Genetics (formerly Invitae), Labcorp
Classification: Uncertain significance for Dyskeratosis congenita. Last evaluated: 2025-04-13. Review status: criteria provided, single submitter. Criteria: Invitae Variant Classification Sherloc (09022015). Collection method: clinical testing. Allele origin: germline.
Comment: This sequence change falls in intron 2 of the TINF2 gene. It does not directly change the encoded amino acid sequence of the TINF2 protein. It affects a nucleotide within the consensus splice site. This variant is not present in population databases (gnomAD no frequency). This variant has not been reported in the literature in individuals affected with TINF2-related conditions. This variant is also known as c.298-10_298-2del. Variants that disrupt the consensus splice site are a relatively common cause of aberrant splicing (PMID: 17576681, 9536098). In summary, the available evidence is currently insufficient to determine the role of this variant in disease. Therefore, it has been classified as a Variant of Uncertain Significance.

Literature cited by the submitters: PubMed 17576681; PubMed 9536098.